The following is an entry in ClinVar:

ClinVar aggregate classification (germline): Likely benign. Review status: criteria provided, multiple submitters, no conflicts (2 of 4 stars). 3 submissions from 3 submitters: Likely benign (2). 1 of the submissions does not count toward it. Last evaluated 2026-01-12.

Conditions:
BBS10-related disorder. Also called: BBS10-related condition.
Bardet-Biedl syndrome (BBS). Identifiers: Orphanet 110, MedGen C0752166, MONDO:0015229.

Allele frequency attached by ClinVar (database versions not stated): gnomAD 0.00005 and 0.00006; TOPMed 0.00005; ESP Exome Variant Server 0.00008.
gnomAD v4.1: 11 of 1,614,078 alleles (0.00068%); highest among the groups gnomAD compares: African/African-American, 0.011%; no homozygotes.

Submissions (3):

Labcorp Genetics (formerly Invitae), Labcorp
Classification: Likely benign for Bardet-Biedl syndrome. Last evaluated: 2026-01-12. Review status: criteria provided, single submitter. Criteria: Invitae Variant Classification Sherloc (09022015). Collection method: clinical testing. Allele origin: germline.

Blueprint Genetics
Classification: Likely benign. Last evaluated: 2019-01-05. Review status: criteria provided, single submitter. Criteria: ACMG Guidelines, 2015. Collection method: clinical testing. Allele origin: germline.

PreventionGenetics, part of Exact Sciences
Classification: Likely benign for BBS10-related condition. Last evaluated: 2021-02-18. Review status: no assertion criteria provided. Collection method: clinical testing. Allele origin: germline. Not counted in ClinVar's aggregate classification.
Comment: This variant is classified as likely benign based on ACMG/AMP sequence variant interpretation guidelines (Richards et al. 2015 PMID: 25741868, with internal and published modifications).

NM_024685.4(BBS10):c.1188T>C (p.Ser396=)

Gene: BBS10 (Bardet-Biedl syndrome 10; minus strand). Cytogenetic location: 12q21.2.
Variant type: single nucleotide variant.
Coding change: c.1188T>C on transcript NM_024685.4 (MANE Select); coding-DNA position 1188, T replaced by C.
Protein change: p.Ser396=; no amino-acid change (serine 396 retained).
Molecular consequence: synonymous variant.
Genome position (GRCh38, 1-based): chr12:76,346,797, A>G on the plus strand (T>C on the coding strand, the complement: BBS10 is on the minus strand). VCF-style: chr12-76346797-A-G. GRCh37 (hg19) VCF-style: chr12-76740577-A-G.
Other names: c.1188T>C (NM_024685.3).
Identifiers: ClinVar variation 1096259 (VCV001096259.11), dbSNP rs143903199, ClinGen allele CA6694210.
Genomic context (GRCh38, chr12:76,346,797, plus strand): 5'-TCCATGTAAAGCATCCTCATGTTGTTCAATGAGACCATGCACTGGTCCACAAAGAACTAT[A>G]GAGTGTGGTATAAATGCACATGTGCTTATCAAGCCTAGATGAACATATCTTTTGGATCTA-3'
Protein context (NP_078961.3, residues 386-406): LISTCAFIPH[Ser396=]IVLCGPVHGL